The following is an entry in ClinVar:

ClinVar aggregate classification (germline): Uncertain significance. Review status: criteria provided, multiple submitters, no conflicts (2 of 4 stars). 4 submissions from 4 submitters: Uncertain significance (4). Last evaluated 2023-03-01.

Conditions:
Idiopathic generalized epilepsy. Also called: Generalised epilepsy; EIG. Identifiers: MedGen C0270850, MONDO:0005579, OMIM 600669.
Hyperaldosteronism, familial, type IV (HALD4). Also called: FH IV; ALDOSTERONISM, PRIMARY, AND HYPERTENSION. Identifiers: Orphanet 642671, MedGen C4310756, MONDO:0014875, OMIM 617027.
Epilepsy, childhood absence, susceptibility to, 6. Identifiers: Orphanet 64280, MedGen C2749872, MONDO:0012763, OMIM 611942.

Allele frequency attached by ClinVar (database versions not stated): TOPMed 0.00001.
gnomAD v4.1: 9 of 1,599,882 alleles (0.00056%); highest among the groups gnomAD compares: Middle Eastern, 0.017%; no homozygotes.

Submissions (4):

Labcorp Genetics (formerly Invitae), Labcorp
Classification: Uncertain significance for Idiopathic generalized epilepsy; Hyperaldosteronism, familial, type IV. Last evaluated: 2023-03-01. Review status: criteria provided, single submitter. Criteria: Invitae Variant Classification Sherloc (09022015). Collection method: clinical testing. Allele origin: germline.
Comment: This variant is present in population databases (no rsID available, gnomAD 0.01%). This sequence change replaces glycine, which is neutral and non-polar, with arginine, which is basic and polar, at codon 2241 of the CACNA1H protein (p.Gly2241Arg). This variant has not been reported in the literature in individuals affected with CACNA1H-related conditions. In summary, the available evidence is currently insufficient to determine the role of this variant in disease. Therefore, it has been classified as a Variant of Uncertain Significance. Advanced modeling of protein sequence and biophysical properties (such as structural, functional, and spatial information, amino acid conservation, physicochemical variation, residue mobility, and thermodynamic stability) performed at Invitae indicates that this missense variant is not expected to disrupt CACNA1H protein function. ClinVar contains an entry for this variant (Variation ID: 546071).

Fulgent Genetics
Classification: Uncertain significance for Epilepsy, childhood absence, susceptibility to, 6; Hyperaldosteronism, familial, type IV. Last evaluated: 2022-03-25. Review status: criteria provided, single submitter. Criteria: ACMG Guidelines, 2015. Collection method: clinical testing. Allele origin: unknown.

GeneDx
Classification: Uncertain significance. Last evaluated: 2018-05-23. Review status: criteria provided, single submitter. Criteria: GeneDx Variant Classification (06012015). Collection method: clinical testing. Allele origin: germline. Affected: yes.
Comment: A second variant of uncertain significance has been identified in the CACNA1H gene. The G2241R variant has not been published as a pathogenic variant, nor has it been reported as a benign variant to our knowledge. The G2241R variant is observed in 1/8990 (0.01%) alleles from individuals of Ashkenazi Jewish background in large population cohorts (Lek et al., 2016). The G2241R variant is a non-conservative amino acid substitution, which is likely to impact secondary protein structure as these residues differ in polarity, charge, size and/or other properties. However, in-silico analyses, including protein predictors and evolutionary conservation, support that this variant does not alter protein structure/function. Therefore, based on the currently available information, it is unclear whether this variant is a pathogenic variant or a rare benign variant.

Breakthrough Genomics
Classification: Uncertain significance. Review status: criteria provided, single submitter. Criteria: ACMG Guidelines, 2015. Collection method: not provided. Allele origin: germline. Inheritance: Autosomal dominant inheritance. Affected: yes.

NM_021098.3(CACNA1H):c.6721G>C (p.Gly2241Arg)

Gene: CACNA1H (calcium voltage-gated channel subunit alpha1 H; plus strand). Cytogenetic location: 16p13.3.
Variant type: single nucleotide variant.
Coding change: c.6721G>C on transcript NM_021098.3 (MANE Select); coding-DNA position 6721, G replaced by C.
Protein change: p.Gly2241Arg; replaces glycine 2241 with arginine.
Molecular consequence: missense variant.
Genome position (GRCh38, 1-based): chr16:1,220,653, G>C. VCF-style: chr16-1220653-G-C. GRCh37 (hg19) VCF-style: chr16-1270653-G-C.
Other names: c.6703G>C, p.Gly2235Arg (NM_001005407.2); short protein forms G2241R, G2235R.
Identifiers: ClinVar variation 546071 (VCV000546071.11), dbSNP rs200606995, ClinGen allele CA394150318.